The following is an entry in ClinVar:

ClinVar aggregate classification (germline): Uncertain significance (1 of 4 stars; one submission).

Conditions:
Emery-Dreifuss muscular dystrophy 5, autosomal dominant (EDMD5). Also called: EMERY-DREIFUSS MUSCULAR DYSTROPHY 5. Identifiers: Orphanet 261, MedGen C2751805, MONDO:0013072, OMIM 612999.

Allele frequency attached by ClinVar (database versions not stated): gnomAD exomes below 0.00001; TOPMed below 0.00001; gnomAD 0.00001.

Submission:

Labcorp Genetics (formerly Invitae), Labcorp
Classification: Uncertain significance for Emery-Dreifuss muscular dystrophy 5, autosomal dominant. Last evaluated: 2020-03-12. Review status: criteria provided, single submitter. Criteria: Invitae Variant Classification Sherloc (09022015). Collection method: clinical testing. Allele origin: germline.
Comment: In summary, the available evidence is currently insufficient to determine the role of this variant in disease. Therefore, it has been classified as a Variant of Uncertain Significance. Algorithms developed to predict the effect of missense changes on protein structure and function are either unavailable or do not agree on the potential impact of this missense change (SIFT: "Deleterious"; PolyPhen-2: "Probably Damaging"; Align-GVGD: "Class C0"). This variant has not been reported in the literature in individuals with SYNE2-related conditions. This variant is not present in population databases (ExAC no frequency). This sequence change replaces glutamine with histidine at codon 5498 of the SYNE2 protein (p.Gln5498His). The glutamine residue is moderately conserved and there is a small physicochemical difference between glutamine and histidine.

NM_182914.3(SYNE2):c.16494G>C (p.Gln5498His)

Gene: SYNE2 (spectrin repeat containing nuclear envelope protein 2; plus strand). Cytogenetic location: 14q23.2.
Variant type: single nucleotide variant.
Coding change: c.16494G>C on transcript NM_182914.3 (MANE Select); coding-DNA position 16494, G replaced by C.
Protein change: p.Gln5498His; replaces glutamine 5498 with histidine.
Molecular consequence: missense variant.
Genome position (GRCh38, 1-based): chr14:64,165,299, G>C. VCF-style: chr14-64165299-G-C. GRCh37 (hg19) VCF-style: chr14-64632017-G-C.
Other names: c.16494G>C, p.Gln5498His (NM_015180.6); short protein forms Q5498H.
Identifiers: ClinVar variation 1021429 (VCV001021429.8), dbSNP rs1158224543, ClinGen allele CA389962271.
Genomic context (GRCh38, chr14:64,165,299, plus strand): 5'-ATATGTACATGAAAATAGTTTCTAATGAAAATTTCTCTTGTTCTAGTTTGTTCTCTCACA[G>C]TTTAAGGATTTTGGAGTCCGGCTGGAATCTTTAAAAGGTCTTATTATGCATGAAGAAGAG-3'
Protein context (NP_878918.2, residues 5488-5508): KANEFEFVLS[Gln5498His]FKDFGVRLES